The following is an entry in ClinVar:

NM_015506.3(MMACHC):c.565del (p.Arg189fs)

Gene: MMACHC (metabolism of cobalamin associated C; plus strand). Cytogenetic location: 1p34.1.
Variant type: Deletion.
Coding change: c.565del on transcript NM_015506.3 (MANE Select); coding-DNA position 565, one base deleted (C; older notation c.565delC).
Protein change: p.Arg189fs; shifts the reading frame from arginine 189.
Molecular consequence: frameshift variant.
Genome position (GRCh38, 1-based): chr1:45,508,931, C deleted; the last of 2 consecutive C bases (chr1:45,508,930-45,508,931); deleting either gives the same sequence. VCF-style (leftmost placement, unchanged base first): chr1-45508929-AC-A. GRCh37 (hg19) VCF-style: chr1-45974601-AC-A.
Other names: c.394del, p.Arg132fs (NM_001330540.2); c.565del (NM_015506.2); short protein forms R132fs, R189fs.
Identifiers: ClinVar variation 553238 (VCV000553238.21), dbSNP rs1257204721, ClinGen allele CA522810898.

ClinVar aggregate classification (germline): Pathogenic/Likely pathogenic. Review status: criteria provided, multiple submitters, no conflicts (2 of 4 stars). 6 submissions from 6 submitters: Pathogenic (3); Likely pathogenic (2). 1 of the submissions does not count toward it. Last evaluated 2025-01-28.

Conditions:
Cobalamin C disease. Also called: Methylmalonic aciduria and homocystinuria, Vitamin B12-responsive; Vitamin B12 metabolic defect with combined deficiency of methylmalonyl-CoA mutase and homocysteine:methyltetrahydrofolate methyltransferase; methylmalonic aciduria and homocystinuria type cblC; Methylmalonic aciduria with homocystinuria cblC type; Cobalamin-C methylmalonic acidemia and homocystinuria; Methylmalonic acidemia and homocystinuria cblC type. Identifiers: Orphanet 26, Orphanet 79282, MedGen C1848561, MONDO:0010184, OMIM 277400.

Submissions (6):

Natera, Inc.
Classification: Pathogenic for Methylmalonic aciduria and homocystinuria cblC type. Last evaluated: 2025-01-28. Review status: criteria provided, single submitter. Criteria: Natera Variant Classification Schema (03/2026). Collection method: clinical testing. Allele origin: germline.
Comment: The c.565delC variant in MMACHC is a frameshift variant predicted to shift the reading frame beginning at codon 189 and leads to a stop codon 21 codons downstream. This variant is expected to result in nonsense mediated decay, truncation, or a dysfunctional protein product. This variant is rare in the general population with a frequency below the threshold expected for the associated phenotype(s). This variant has been observed in one or more individuals affected with the associated recessive disease, as either homozygous or compound heterozygous with a second variant (PMID: 31503356, 24599607). Given the available evidence, this variant is classified as Pathogenic.

Fulgent Genetics
Classification: Likely pathogenic for Cobalamin C disease. Last evaluated: 2024-04-24. Review status: criteria provided, single submitter. Criteria: ACMG Guidelines, 2015. Collection method: clinical testing. Allele origin: germline.

Labcorp Genetics (formerly Invitae), Labcorp
Classification: Pathogenic for Cobalamin C disease. Last evaluated: 2024-01-04. Review status: criteria provided, single submitter. Criteria: Invitae Variant Classification Sherloc (09022015). Collection method: clinical testing. Allele origin: germline.
Comment: This sequence change creates a premature translational stop signal (p.Arg189Valfs*21) in the MMACHC gene. While this is not anticipated to result in nonsense mediated decay, it is expected to disrupt the last 94 amino acid(s) of the MMACHC protein. This variant is present in population databases (no rsID available, gnomAD 0.007%). This premature translational stop signal has been observed in individuals with methylmalonic aciduria and homocystinuria (PMID: 16311595, 19370762, 24599607, 31503356). ClinVar contains an entry for this variant (Variation ID: 553238). For these reasons, this variant has been classified as Pathogenic.

Genome-Nilou Lab
Classification: Likely pathogenic for Cobalamin C disease. Last evaluated: 2023-04-11. Review status: criteria provided, single submitter. Criteria: ACMG Guidelines, 2015. Collection method: clinical testing. Allele origin: germline. Affected: no.

Women's Health and Genetics/Laboratory Corporation of America, LabCorp
Classification: Pathogenic for Cobalamin C disease. Last evaluated: 2022-02-07. Review status: criteria provided, single submitter. Criteria: LabCorp Variant Classification Summary - May 2015. Collection method: clinical testing. Allele origin: germline.
Comment: Variant summary: MMACHC c.565delC (p.Arg189ValfsX21) results in a premature termination codon, predicted to cause a truncation of the encoded protein or absence of the protein due to nonsense mediated decay, which are commonly known mechanisms for disease. Truncations downstream of this position have been classified as pathogenic by our laboratory. The variant was absent in 249562 control chromosomes (gnomAD). c.565delC has been reported in the literature in individuals affected with Cobalamin C Disease (Methylmalonic Aciduria With Homocystinuria) (examples: Lerner-Ellis_2009, Fischer_2014 and Ricci_2020). These data indicate that the variant is likely to be associated with disease. To our knowledge, no experimental evidence demonstrating an impact on protein function has been reported. One clinical diagnostic laboratory has submitted clinical-significance assessments for this variant to ClinVar after 2014 and classified the variant as likely pathogenic. Based on the evidence outlined above, the variant was classified as pathogenic.

Counsyl
Classification: Likely pathogenic for Cobalamin C disease. Last evaluated: 2017-08-08. Review status: no assertion criteria provided. Collection method: clinical testing. Allele origin: unknown. Not counted in ClinVar's aggregate classification.

Literature cited by the submitters: PubMed 31503356 (cited by 3 submitters); PubMed 24599607 (cited by 3 submitters); PubMed 16311595 (cited by Labcorp Genetics (formerly Invitae), Labcorp and Counsyl); PubMed 19370762 (cited by 3 submitters).